The following is an entry in ClinVar:

ClinVar aggregate classification (germline): Pathogenic (1 of 4 stars; one submission).

Conditions:
Hereditary cancer-predisposing syndrome. Also called: Neoplastic Syndromes, Hereditary; Tumor predisposition; Hereditary Cancer Syndrome; Hereditary neoplastic syndrome. Identifiers: Orphanet 140162, MedGen C0027672, MeSH D009386, MONDO:0015356.

Submission:

Ambry Genetics
Classification: Pathogenic for Hereditary cancer-predisposing syndrome. Last evaluated: 2021-08-12. Review status: criteria provided, single submitter. Criteria: Ambry Variant Classification Scheme 2023. Collection method: clinical testing. Allele origin: germline.
Comment: The p.E112* pathogenic mutation (also known as c.334G>T), located in coding exon 3 of the RB1 gene, results from a G to T substitution at nucleotide position 334. This changes the amino acid from a glutamic acid to a stop codon within coding exon 3. This variant is considered to be rare based on population cohorts in the Genome Aggregation Database (gnomAD). This alteration is expected to result in loss of function by premature protein truncation or nonsense-mediated mRNA decay. As such, this alteration is interpreted as a disease-causing mutation.

NM_000321.3(RB1):c.334G>T (p.Glu112Ter)

Gene: RB1 (RB transcriptional corepressor 1; plus strand). Cytogenetic location: 13q14.2.
Variant type: single nucleotide variant.
Coding change: c.334G>T on transcript NM_000321.3 (MANE Select); coding-DNA position 334, G replaced by T.
Protein change: p.Glu112Ter; replaces glutamic acid 112 with a stop codon.
Molecular consequence: nonsense.
Genome position (GRCh38, 1-based): chr13:48,342,668, G>T. VCF-style: chr13-48342668-G-T. GRCh37 (hg19) VCF-style: chr13-48916804-G-T.
Other names: c.334G>T, p.Glu112Ter (NM_001407165.1, NM_001407166.1); short protein forms E112*.
Identifiers: ClinVar variation 1730509 (VCV001730509.2), dbSNP rs1199831823, ClinGen allele CA388252467.
Genomic context (GRCh38, chr13:48,342,668, plus strand): 5'-ATTCAAAAGAAAAAGGAACTGTGGGGAATCTGTATCTTTATTGCAGCAGTTGACCTAGAT[G>T]AGATGTCGTTCACTTTTACTGAGCTACAGAAAAACATAGAAATCAGGTAAAGTTTCTTGT-3'